The following is an entry in ClinVar:

NC_000006.11:g.(?_72984032)_(73001769_?)del

Gene: RIMS1 (regulating synaptic membrane exocytosis 1; plus strand). Cytogenetic location: 6q13.
Variant type: Deletion.
Identifiers: ClinVar variation 2426032 (VCV002426032.4).

ClinVar aggregate classification (germline): Uncertain significance (1 of 4 stars; one submission).

Submission:

Labcorp Genetics (formerly Invitae), Labcorp
Classification: Uncertain significance. Last evaluated: 2022-05-12. Review status: criteria provided, single submitter. Criteria: Invitae Variant Classification Sherloc (09022015). Collection method: clinical testing. Allele origin: germline.
Comment: This variant is a gross deletion of the genomic region encompassing exon(s) 23-26 of the RIMS1 gene. This deletion is out-of-frame, and is expected to create a premature translational stop signal and result in an absent or disrupted protein product. However, the current clinical and genetic evidence is not sufficient to establish whether loss-of-function variants in RIMS1 cause disease. This variant has not been reported in the literature in individuals affected with RIMS1-related conditions. In summary, the available evidence is currently insufficient to determine the role of this variant in disease. Therefore, it has been classified as a Variant of Uncertain Significance.